The following is an entry in ClinVar:

NM_001005361.3(DNM2):c.1105C>T (p.Arg369Trp)

Gene: DNM2 (dynamin 2; plus strand). Cytogenetic location: 19p13.2.
Variant type: single nucleotide variant.
Coding change: c.1105C>T on transcript NM_001005361.3 (MANE Select); coding-DNA position 1105, C replaced by T.
Protein change: p.Arg369Trp; replaces arginine 369 with tryptophan.
Molecular consequence: missense variant.
Genome position (GRCh38, 1-based): chr19:10,793,832, C>T. VCF-style: chr19-10793832-C-T. GRCh37 (hg19) VCF-style: chr19-10904508-C-T.
Other names: NM_001005361.3(DNM2):c.1105C>T; c.1105C>T, p.Arg369Trp (NM_001005360.3, NM_001005362.3, NM_001190716.2 and 1 more transcripts); short protein forms R369W.
Identifiers: ClinVar variation 7280 (VCV000007280.31), dbSNP rs121909090, ClinGen allele CA118658.

ClinVar aggregate classification (germline): Pathogenic. Review status: reviewed by expert panel (3 of 4 stars). 11 submissions from 11 submitters: Pathogenic (1). 10 of the submissions do not count toward it. Last evaluated 2024-08-07.

Conditions:
Charcot-Marie-Tooth disease. Also called: Charcot-Marie-Tooth Neuropathy; Charcot-Marie-Tooth Hereditary Neuropathy. Identifiers: Orphanet 166, MedGen C0007959, MONDO:0015626.
Limb-girdle muscular dystrophy (LGMD). Also called: Muscular Dystrophies, Limb-Girdle. Identifiers: Orphanet 263, MedGen C0686353, MeSH D049288, MONDO:0016971, HP:0006785.
Centronuclear myopathy (CNM). Also called: Myotubular myopathy; Centronuclear myopathy, congenital. Identifiers: Orphanet 595, MedGen C0175709, MONDO:0018947. Inheritance: All.
Charcot-Marie-Tooth disease dominant intermediate B (CMTDIB). Also called: Charcot-Marie-Tooth disease dominant intermediate 1; CMT DI1; Charcot-Marie-Tooth disease dominant intermediate I; CHARCOT-MARIE-TOOTH NEUROPATHY, DOMINANT INTERMEDIATE B. Identifiers: Orphanet 100044, Orphanet 228179, MedGen C1847902, MONDO:0011674, OMIM 606482.
Autosomal dominant centronuclear myopathy. Also called: MYOTUBULAR MYOPATHY, AUTOSOMAL DOMINANT; Myopathy, centronuclear, 3. Identifiers: Orphanet 169189, MedGen C4551952, MeSH D020914, MONDO:0008048, OMIM 160150.

Allele frequency attached by ClinVar (database versions not stated): gnomAD exomes below 0.00001; gnomAD 0.00001.
gnomAD v4.1: 2 of 1,614,062 alleles (0.00012%); highest among the groups gnomAD compares: African/African-American, 0.0013%; no homozygotes.

Submissions (11):

ClinGen Congenital Myopathies Variant Curation Expert Panel, ClinGen
Classification: Pathogenic for Centronuclear myopathy. Last evaluated: 2024-08-07. Review status: reviewed by expert panel. Criteria: ClinGen CongenMyopathy ACMG Specifications DNM2 V1.0.0. Collection method: curation. Allele origin: germline. Inheritance: Autosomal dominant inheritance.
Comment: The c.1105C>T variant in DNM2 is a missense variant predicted to cause substitution of arginine by tryptophan at amino acid 369 (p.Arg369Trp). The highest population minor allele frequency in gnomAD v4.1 is 0.00001335 (1/74912 alleles) in the African/African American population, which is lower than the ClinGen Congenital Myopathies VCEP threshold for PM2_Supporting, meeting this criterion (PM2_Supporting). DNM2, in which the variant was identified, is defined by the ClinGen Congenital Myopathies VCEP as a gene that has a low rate of benign missense variation and where pathogenic missense variants are a common mechanism of disease (PP2). The computational predictor REVEL gives a score of 0.683, which is neither above nor below the thresholds predicting a damaging or benign impact on RYR1 function. This variant has been reported in at least 11 probands from 6 families meeting phenotypic criteria distal muscular weakness and ptosis, which is highly specific for centronuclear myopathy (PS4; PMIDs: 16227997, 20817456, 22613877, 25492887, 25501959, 28676641). The variant has been reported to segregate with centronuclear myopathy in 5 affected family members from 2 families (PP1_Strong; PMIDs: 16227997, 22613877). Two different missense variants (c.1106G>T, p.Arg369Leu; p.Arg369Gln, c.1106G>A) in the same codon have been classified as likely pathogenic and pathogenic, respectively, for autosomal dominant centronuclear myopathy by the ClinGen Congenital Myopathies VCEP (and autosomal dominant Charcot-Marie-Tooth disease by the ClinGen Charcot-Marie-Tooth disease VCEP) (PM5). This variant has been identified as a de novo occurrence with unconfirmed parental relationships in 1 individual with centronuclear myopathy (PM6; PMIDs: 16227997). A cell culture of human myoblasts from quadriceps showed impaired actin development, indicating that this variant impacts protein function (PMID: 28676641; PS3_Supporting). In summary, this variant meets the criteria to be classified as pathogenic for autosomal dominant centronuclear myopathy based on the ACMG/AMP criteria applied, as specified by the ClinGen Congenital Myopathies VCEP: PS4, PP1_Strong, PM5, PM6, PM2_Supporting, PP2, PS3_Supporting. (ClinGen Congenital Myopathies VCEP specifications version 1; 8/7/24)

Labcorp Genetics (formerly Invitae), Labcorp
Classification: Pathogenic for Charcot-Marie-Tooth disease dominant intermediate B. Last evaluated: 2025-10-19. Review status: criteria provided, single submitter. Criteria: Invitae Variant Classification Sherloc (09022015). Collection method: clinical testing. Allele origin: germline. Not counted in ClinVar's aggregate classification.
Comment: This sequence change replaces arginine, which is basic and polar, with tryptophan, which is neutral and slightly polar, at codon 369 of the DNM2 protein (p.Arg369Trp). This variant is present in population databases (rs121909090, gnomAD 0.01%). This missense change has been observed in individual(s) with DNM2-related conditions (PMID: 16227997, 20817456, 22613877, 25492887). It has also been observed to segregate with disease in related individuals. ClinVar contains an entry for this variant (Variation ID: 7280). Invitae Evidence Modeling of protein sequence and biophysical properties (such as structural, functional, and spatial information, amino acid conservation, physicochemical variation, residue mobility, and thermodynamic stability) indicates that this missense variant is expected to disrupt DNM2 protein function with a positive predictive value of 80%. Experimental studies have shown that this missense change affects DNM2 function (PMID: 20529869, 24016602, 28676641). This variant disrupts the p.Arg369 amino acid residue in DNM2. Other variant(s) that disrupt this residue have been determined to be pathogenic (PMID: 16227997, 25501959). This suggests that this residue is clinically significant, and that variants that disrupt this residue are likely to be disease-causing. For these reasons, this variant has been classified as Pathogenic.

Revvity Omics, Revvity
Classification: Pathogenic. Last evaluated: 2023-12-19. Review status: criteria provided, single submitter. Criteria: ACMG Guidelines, 2015. Collection method: clinical testing. Allele origin: germline. Not counted in ClinVar's aggregate classification.

GeneDx
Classification: Pathogenic. Last evaluated: 2021-11-05. Review status: criteria provided, single submitter. Criteria: GeneDx Variant Classification Process June 2021. Collection method: clinical testing. Allele origin: germline. Affected: yes. Not counted in ClinVar's aggregate classification.
Comment: Segregates with centronuclear myopathy in multiple individuals from several unrelated families in published literature (Bitoun et al., 2005; Hanna et al., 2013; Mori-Yoshimura et al.,2012); Published functional studies demonstrate that R369W enhances the protein's ability to make strong dynamin complexes that are resistant to being broken down (Wang et al., 2010; James et al., 2014); The majority of missense variants in this gene are considered pathogenic (Stenson et al., 2014); In silico analysis, which includes protein predictors and evolutionary conservation, supports a deleterious effect; Not observed at significant frequency in large population cohorts (Lek et al., 2016); This variant is associated with the following publications: (PMID: 22924779, 22613877, 24016602, 25492887, 20529869, 20817456, 16227997, 25501959, 32403337, 32528171, 33187981)

MGZ Medical Genetics Center
Classification: Pathogenic for Autosomal dominant centronuclear myopathy. Last evaluated: 2021-07-28. Review status: criteria provided, single submitter. Criteria: ACMG Guidelines, 2015. Collection method: clinical testing. Allele origin: germline. Affected: yes. Observed: 1 variant allele. Not counted in ClinVar's aggregate classification.
Comment: ACMG criteria applied: PS3, PM5, PM6, PM2_SUP, PP1, PP3

Cambridge Genomics Laboratory, East Genomic Laboratory Hub, NHS Genomic Medicine Service
Classification: Pathogenic for Limb-girdle muscular dystrophy. Last evaluated: 2019-12-06. Review status: criteria provided, single submitter. Criteria: ACGS Best Practice Guidelines for Variant Classification in Rare Disease 2020. Collection method: clinical testing. Allele origin: germline. Affected: yes. Observed: 1 variant allele. Not counted in ClinVar's aggregate classification.

Mendelics
Classification: Pathogenic for Charcot-Marie-Tooth disease dominant intermediate B. Last evaluated: 2019-05-28. Review status: criteria provided, single submitter. Criteria: Mendelics Assertion Criteria 2017. Collection method: clinical testing. Allele origin: unknown. Not counted in ClinVar's aggregate classification.

Genetic Services Laboratory, University of Chicago
Classification: Pathogenic for Myopathy, centronuclear. Last evaluated: 2013-02-08. Review status: criteria provided, single submitter. Criteria: ACMG Guidelines, 2007. Collection method: clinical testing. Allele origin: germline. Inheritance: Autosomal dominant inheritance. Affected: yes. Not counted in ClinVar's aggregate classification.

Inherited Neuropathy Consortium Ii, University Of Miami
Classification: Uncertain significance for Charcot-Marie-Tooth disease dominant intermediate B. Last evaluated: 2016-01-06. Review status: no assertion criteria provided. Collection method: literature only. Allele origin: germline. Affected: yes. Not counted in ClinVar's aggregate classification.

OMIM
Classification: Pathogenic for MYOPATHY, CENTRONUCLEAR, 1. Last evaluated: 2005-11-01. Review status: no assertion criteria provided. Collection method: literature only. Allele origin: germline. Not counted in ClinVar's aggregate classification.

Inherited Neuropathy Consortium
Classification: Likely pathogenic for Charcot-Marie-Tooth disease. Review status: no assertion criteria provided. Collection method: provider interpretation. Allele origin: inherited. Affected: yes. Not counted in ClinVar's aggregate classification.

Literature cited by the submitters: PubMed 16227997 (cited by 3 submitters); PubMed 20817456 (cited by Labcorp Genetics (formerly Invitae), Labcorp); PubMed 22613877 (cited by Labcorp Genetics (formerly Invitae), Labcorp); PubMed 25492887 (cited by Labcorp Genetics (formerly Invitae), Labcorp); PubMed 20529869 (cited by Labcorp Genetics (formerly Invitae), Labcorp); PubMed 24016602 (cited by Labcorp Genetics (formerly Invitae), Labcorp); PubMed 28676641 (cited by Labcorp Genetics (formerly Invitae), Labcorp); PubMed 25501959 (cited by Labcorp Genetics (formerly Invitae), Labcorp).